The following is an entry in ClinVar:

ClinVar aggregate classification (germline): Likely benign (1 of 4 stars; one submission).

Allele frequency attached by ClinVar (database versions not stated): 1000 Genomes Project 30x 0.00187; 1000 Genomes Project 0.00200; TOPMed 0.00474; gnomAD 0.00607; ExAC 0.00661; ESP Exome Variant Server 0.00669.

Submission:

CeGaT Center for Human Genetics Tuebingen
Classification: Likely benign. Last evaluated: 2023-03-01. Review status: criteria provided, single submitter. Criteria: CeGaT Center For Human Genetics Tuebingen Variant Classification Criteria Version 2. Collection method: clinical testing. Allele origin: germline. Affected: yes. Observed: 1 variant allele.
Comment: PTPRN: BP4, BP7, BS2

NM_002846.4(PTPRN):c.1914G>A (p.Thr638=)

Gene: PTPRN (protein tyrosine phosphatase receptor type N; minus strand). Cytogenetic location: 2q35.
Variant type: single nucleotide variant.
Coding change: c.1914G>A on transcript NM_002846.4 (MANE Select); coding-DNA position 1914, G replaced by A.
Protein change: p.Thr638=; no amino-acid change (threonine 638 retained).
Molecular consequence: synonymous variant.
Genome position (GRCh38, 1-based): chr2:219,297,407, C>T on the plus strand (G>A on the coding strand, the complement: PTPRN is on the minus strand). VCF-style: chr2-219297407-C-T. GRCh37 (hg19) VCF-style: chr2-220162129-C-T.
Other names: c.1827G>A, p.Thr609= (NM_001199763.2); c.1644G>A, p.Thr548= (NM_001199764.2).
Identifiers: ClinVar variation 2651919 (VCV002651919.24), dbSNP rs144452294, ClinGen allele CA2123589.